The following is an entry in ClinVar:

ClinVar aggregate classification (germline): Uncertain significance. Review status: criteria provided, multiple submitters, no conflicts (2 of 4 stars). 4 submissions from 4 submitters: Uncertain significance (4). Last evaluated 2026-04-27.

Conditions:
SCN10A-related disorder. Also called: SCN10A-related condition.
Cardiovascular phenotype. Identifiers: MedGen CN230736.
Brugada syndrome. Also called: Sudden Unexplained Nocturnal Death Syndrome (SUNDS); Sudden unexplained nocturnal death syndrome; Sudden Unexplained Death Syndrome; Sudden unexpected nocturnal death syndrome. Identifiers: Orphanet 130, MedGen C1142166, MONDO:0015263.

Allele frequency attached by ClinVar (database versions not stated): ExAC 0.00001.
gnomAD v4.1: 10 of 1,614,148 alleles (0.00062%); highest among the groups gnomAD compares: Non-Finnish European, 0.00085%; no homozygotes.

Submissions (4):

PreventionGenetics, part of Exact Sciences
Classification: Uncertain significance for SCN10A-related condition. Last evaluated: 2026-04-27. Review status: criteria provided, single submitter. Criteria: ACMG Guidelines, 2015. Collection method: clinical testing. Allele origin: germline.
Comment: The SCN10A c.4540T>G variant is predicted to result in the amino acid substitution p.Phe1514Val. To our knowledge, this variant has not been reported in the literature. This variant is reported in 0.00088% of alleles in individuals of European (Non-Finnish) descent in gnomAD. At this time, the clinical significance of this variant is uncertain due to the absence of conclusive functional and genetic evidence.

Labcorp Genetics (formerly Invitae), Labcorp
Classification: Uncertain significance for Brugada syndrome. Last evaluated: 2025-12-01. Review status: criteria provided, single submitter. Criteria: Invitae Variant Classification Sherloc (09022015). Collection method: clinical testing. Allele origin: germline.
Comment: This sequence change replaces phenylalanine, which is neutral and non-polar, with valine, which is neutral and non-polar, at codon 1514 of the SCN10A protein (p.Phe1514Val). This variant is present in population databases (rs776552739, gnomAD 0.0009%). This variant has not been reported in the literature in individuals affected with SCN10A-related conditions. ClinVar contains an entry for this variant (Variation ID: 1741361). Invitae Evidence Modeling of protein sequence and biophysical properties (such as structural, functional, and spatial information, amino acid conservation, physicochemical variation, residue mobility, and thermodynamic stability) indicates that this missense variant is not expected to disrupt SCN10A protein function with a negative predictive value of 80%. In summary, the available evidence is currently insufficient to determine the role of this variant in disease. Therefore, it has been classified as a Variant of Uncertain Significance.

Mayo Clinic Laboratories, Mayo Clinic
Classification: Uncertain significance. Last evaluated: 2024-08-09. Review status: criteria provided, single submitter. Criteria: ACMG Guidelines, 2015. Collection method: clinical testing. Allele origin: germline. Observed: 1 variant allele.
Comment: BP5

Ambry Genetics
Classification: Uncertain significance for Cardiovascular phenotype. Last evaluated: 2021-06-30. Review status: criteria provided, single submitter. Criteria: Ambry Variant Classification Scheme 2023. Collection method: clinical testing. Allele origin: germline.
Comment: The p.F1514V variant (also known as c.4540T>G), located in coding exon 26 of the SCN10A gene, results from a T to G substitution at nucleotide position 4540. The phenylalanine at codon 1514 is replaced by valine, an amino acid with highly similar properties. This amino acid position is conserved. In addition, the in silico prediction for this alteration is inconclusive. Since supporting evidence is limited at this time, the clinical significance of this alteration remains unclear.

NM_006514.4(SCN10A):c.4540T>G (p.Phe1514Val)

Gene: SCN10A (sodium voltage-gated channel alpha subunit 10; minus strand). Cytogenetic location: 3p22.2.
Variant type: single nucleotide variant.
Coding change: c.4540T>G on transcript NM_006514.4 (MANE Select); coding-DNA position 4540, T replaced by G.
Protein change: p.Phe1514Val; replaces phenylalanine 1514 with valine.
Molecular consequence: missense variant.
Genome position (GRCh38, 1-based): chr3:38,701,956, A>C on the plus strand (T>G on the coding strand, the complement: SCN10A is on the minus strand). VCF-style: chr3-38701956-A-C. GRCh37 (hg19) VCF-style: chr3-38743447-A-C.
Other names: p.Phe1514Val; c.4537T>G, p.Phe1513Val (NM_001293306.2); c.4246T>G, p.Phe1416Val (NM_001293307.2); c.4540T>G (NM_006514.3); short protein forms F1416V, F1513V, F1514V.
Identifiers: ClinVar variation 1741361 (VCV001741361.5), dbSNP rs776552739, ClinGen allele CA2319877.